The following is an entry in ClinVar:

ClinVar aggregate classification (germline): Uncertain significance (1 of 4 stars; one submission).

Submission:

Labcorp Genetics (formerly Invitae), Labcorp
Classification: Uncertain significance. Last evaluated: 2025-05-27. Review status: criteria provided, single submitter. Criteria: Invitae Variant Classification Sherloc (09022015). Collection method: clinical testing. Allele origin: germline.
Comment: This sequence change replaces serine, which is neutral and polar, with cysteine, which is neutral and slightly polar, at codon 105 of the CLCN5 protein (p.Ser105Cys). This variant is not present in population databases (gnomAD no frequency). This variant has not been reported in the literature in individuals affected with CLCN5-related conditions. An algorithm developed to predict the effect of missense changes on protein structure and function (PolyPhen-2) suggests that this variant is likely to be disruptive. In summary, the available evidence is currently insufficient to determine the role of this variant in disease. Therefore, it has been classified as a Variant of Uncertain Significance.

NM_001127898.4(CLCN5):c.524C>G (p.Ser175Cys)

Gene: CLCN5 (Cl-/H+ antiporter 5; plus strand). Cytogenetic location: Xp11.23.
Variant type: single nucleotide variant.
Coding change: c.524C>G on transcript NM_001127898.4 (MANE Select); coding-DNA position 524, C replaced by G.
Protein change: p.Ser175Cys; replaces serine 175 with cysteine.
Molecular consequence: missense variant. On other transcripts: non-coding transcript variant (1).
Genome position (GRCh38, 1-based): chrX:50,075,903, C>G. VCF-style: chrX-50075903-C-G. GRCh37 (hg19) VCF-style: chrX-49840558-C-G.
Other names: c.314C>G, p.Ser105Cys (NM_000084.5); c.524C>G, p.Ser175Cys (NM_001127899.4); c.374C>G, p.Ser125Cys (NM_001282163.2); c.536C>G, p.Ser179Cys (NM_001440756.1, NM_001440757.1); short protein forms S105C, S125C, S175C, S179C.
Identifiers: ClinVar variation 4808574 (VCV004808574.1).